The following is an entry in ClinVar:

NM_003000.3(SDHB):c.200+7A>G

Gene: SDHB (succinate dehydrogenase complex iron sulfur subunit B; minus strand). Cytogenetic location: 1p36.13.
Variant type: single nucleotide variant.
Coding change: c.200+7A>G on transcript NM_003000.3 (MANE Select); 7 bases into the intron after coding-DNA position 200, A replaced by G.
Molecular consequence: intron variant.
Genome position (GRCh38, 1-based): chr1:17,044,754, T>C on the plus strand (A>G on the coding strand, the complement: SDHB is on the minus strand). VCF-style: chr1-17044754-T-C. GRCh37 (hg19) VCF-style: chr1-17371249-T-C.
Identifiers: ClinVar variation 239424 (VCV000239424.15), dbSNP rs371329778, ClinGen allele CA089534.

ClinVar aggregate classification (germline): Likely benign. Review status: criteria provided, multiple submitters, no conflicts (2 of 4 stars). 4 submissions from 4 submitters: Likely benign (4). Last evaluated 2026-02-03.

Conditions:
Pheochromocytoma/paraganglioma syndrome 4. Also called: PARAGANGLIOMA, FAMILIAL MALIGNANT; PARAGANGLIOMAS, HEREDITARY EXTRAADRENAL; PHEOCHROMOCYTOMA, FAMILIAL EXTRAADRENAL; Paragangliomas 4; SDHB-Related Hereditary Paraganglioma-Pheochromocytoma Syndrome (Paragangliomas 4); SDHB-Related Hereditary Paraganglioma-Pheochromocytoma Syndrome. Identifiers: Orphanet 29072, MedGen C1861848, MONDO:0007273, OMIM 115310.
Gastrointestinal stromal tumor. Also called: Gastrointestinal stromal tumor, somatic; Gastrointestinal stroma tumor. Identifiers: Orphanet 44890, MedGen C0238198, MeSH D046152, MONDO:0011719, OMIM 606764, HP:0100723.
Pheochromocytoma. Also called: MAX-Related Hereditary Paraganglioma-Pheochromocytoma Syndrome. Identifiers: Orphanet 29072, MedGen C0031511, MONDO:0008233, OMIM 171300, HP:0002666.

Allele frequency attached by ClinVar (database versions not stated): gnomAD exomes 0.00002 and 0.00003; ExAC 0.00003; gnomAD 0.00005; TOPMed 0.00006; ESP Exome Variant Server 0.00008; 1000 Genomes Project 30x 0.00016; 1000 Genomes Project 0.00020.
gnomAD v4.1: 20 of 1,614,010 alleles (0.0012%); highest among the groups gnomAD compares: African/African-American, 0.013%; no homozygotes.

Submissions (4):

Labcorp Genetics (formerly Invitae), Labcorp
Classification: Likely benign for Gastrointestinal stromal tumor; Pheochromocytoma/paraganglioma syndrome 4; Pheochromocytoma. Last evaluated: 2026-02-03. Review status: criteria provided, single submitter. Criteria: Invitae Variant Classification Sherloc (09022015). Collection method: clinical testing. Allele origin: germline.

Myriad Genetics, Inc.
Classification: Likely benign for Pheochromocytoma/paraganglioma syndrome 4. Last evaluated: 2025-03-12. Review status: criteria provided, single submitter. Criteria: Myriad Autosomal Dominant, Autosomal Recessive and X-Linked Classification Criteria (2023). Collection method: clinical testing. Allele origin: unknown.
Comment: This variant is considered likely benign. This variant is intronic and is not expected to impact mRNA splicing.

GeneDx
Classification: Likely benign. Last evaluated: 2020-07-22. Review status: criteria provided, single submitter. Criteria: GeneDx Variant Classification Process June 2021. Collection method: clinical testing. Allele origin: germline. Affected: yes.
Comment: This variant is associated with the following publications: (PMID: 19927285, 20213850)

Mendelics
Classification: Likely benign for Gastrointestinal stromal tumor. Last evaluated: 2019-05-28. Review status: criteria provided, single submitter. Criteria: Mendelics Assertion Criteria 2017. Collection method: clinical testing. Allele origin: unknown.